The following is an entry in ClinVar:

NM_207361.6(FREM2):c.2881del (p.Ala961fs)

Gene: FREM2 (FRAS1 related extracellular matrix 2; plus strand). Cytogenetic location: 13q13.3.
Variant type: Deletion.
Coding change: c.2881del on transcript NM_207361.6 (MANE Select); coding-DNA position 2881, one base deleted (G; older notation c.2881delG).
Protein change: p.Ala961fs; shifts the reading frame from alanine 961.
Molecular consequence: frameshift variant.
Genome position (GRCh38, 1-based): chr13:38,690,225, G deleted; the last of 4 consecutive G bases (chr13:38,690,222-38,690,225); deleting any one gives the same sequence. VCF-style (leftmost placement, unchanged base first): chr13-38690221-TG-T. GRCh37 (hg19) VCF-style: chr13-39264358-TG-T.
Other names: short protein forms A961fs.
Identifiers: ClinVar variation 4086181 (VCV004086181.1).

ClinVar aggregate classification (germline): Likely pathogenic (1 of 4 stars; one submission).

Conditions:
Fraser syndrome 1 (FRASRS1). Also called: CRYPTOPHTHALMOS WITH OTHER MALFORMATIONS. Identifiers: Orphanet 2052, MedGen C4551480, MONDO:0054737, OMIM 219000.

Submission:

Neuberg Centre For Genomic Medicine, NCGM
Classification: Likely pathogenic for Fraser syndrome 1. Review status: criteria provided, single submitter. Criteria: ACMG Guidelines, 2015. Collection method: clinical testing. Allele origin: germline. Inheritance: Autosomal recessive inheritance. Affected: yes.
Comment: This variant is predicted to cause loss of normal protein function through protein truncation. Loss of function variants in this gene have been previously reported to be disease causing (Zhang Xet al., 2019). For these reason, this variant has been classified as Likely pathogenic.